The following is an entry in ClinVar:

ClinVar aggregate classification (germline): Uncertain significance. Review status: criteria provided, multiple submitters, no conflicts (2 of 4 stars). 3 submissions from 3 submitters: Uncertain significance (3). Last evaluated 2024-12-13.

Conditions:
Inborn genetic diseases. Identifiers: MedGen C0950123, MeSH D030342.

Submissions (3):

GeneDx
Classification: Uncertain significance. Last evaluated: 2024-12-13. Review status: criteria provided, single submitter. Criteria: GeneDx Variant Classification Process June 2021. Collection method: clinical testing. Allele origin: germline. Affected: yes.
Comment: In silico analysis supports that this missense variant has a deleterious effect on protein structure/function; Has not been previously published as pathogenic or benign to our knowledge

Mayo Clinic Laboratories, Mayo Clinic
Classification: Uncertain significance. Last evaluated: 2024-07-08. Review status: criteria provided, single submitter. Criteria: ACMG Guidelines, 2015. Collection method: clinical testing. Allele origin: germline. Observed: 1 variant allele.

Ambry Genetics
Classification: Uncertain significance for Inborn genetic diseases. Last evaluated: 2023-04-20. Review status: criteria provided, single submitter. Criteria: Ambry Variant Classification Scheme 2023. Collection method: clinical testing. Allele origin: germline.

NM_025193.4(HSD3B7):c.103C>T (p.Arg35Trp)

Gene: HSD3B7 (hydroxy-delta-5-steroid dehydrogenase, 3 beta- and steroid delta-isomerase 7; plus strand). Cytogenetic location: 16p11.2.
Variant type: single nucleotide variant.
Coding change: c.103C>T on transcript NM_025193.4 (MANE Select); coding-DNA position 103, C replaced by T.
Protein change: p.Arg35Trp; replaces arginine 35 with tryptophan.
Molecular consequence: missense variant.
Genome position (GRCh38, 1-based): chr16:30,985,761, C>T. VCF-style: chr16-30985761-C-T. GRCh37 (hg19) VCF-style: chr16-30997082-C-T.
Other names: p.Arg35Trp; c.103C>T, p.Arg35Trp (NM_001142777.2, NM_001142778.2); short protein forms R35W.
Identifiers: ClinVar variation 2524743 (VCV002524743.4), dbSNP rs150464212, ClinGen allele CA8017852.
Genomic context (GRCh38, chr16:30,985,761, plus strand): 5'-ACAGGGGGCTGTGGCTTCCTGGGAGAGCACGTGGTGCGAATGCTGCTGCAGCGGGAGCCC[C>T]GGCTCGGGGAGCTGCGGGTCTTTGACCAACACCTGGGTCCCTGGCTGGAGGAGCTGAAGA-3'
Protein context (NP_079469.2, residues 25-45): VVRMLLQREP[Arg35Trp]LGELRVFDQH